The following is an entry in ClinVar:

ClinVar aggregate classification (germline): Benign/Likely benign. Review status: criteria provided, multiple submitters, no conflicts (2 of 4 stars). 2 submissions from 2 submitters: Benign (1); Likely benign (1). Last evaluated 2024-08-21.

Conditions:
Familial cancer of breast. Also called: BREAST CANCER, FAMILIAL; Hereditary breast cancer; hereditary breast carcinoma. Identifiers: Orphanet 227535, MedGen C0346153, MONDO:0016419, OMIM 114480. Disease mechanism: loss of function.
Fanconi anemia complementation group J. Also called: BRIP1-Related Fanconi Anemia. Identifiers: Orphanet 84, MedGen C1836860, MONDO:0012187, OMIM 609054.

Allele frequency attached by ClinVar (database versions not stated): gnomAD exomes below 0.00001.
gnomAD v4.1: 1 of 1,612,536 alleles (0.000062%); highest among the groups gnomAD compares: Non-Finnish European, 0.000085%; no homozygotes.

Submissions (2):

Myriad Genetics, Inc.
Classification: Benign for Familial cancer of breast. Last evaluated: 2024-08-21. Review status: criteria provided, single submitter. Criteria: Myriad Autosomal Dominant, Autosomal Recessive and X-Linked Classification Criteria (2023). Collection method: clinical testing. Allele origin: unknown.
Comment: This variant is considered benign. This variant is a silent/synonymous amino acid change and it is not expected to impact splicing.

Labcorp Genetics (formerly Invitae), Labcorp
Classification: Likely benign for Familial cancer of breast; Fanconi anemia complementation group J. Last evaluated: 2023-03-14. Review status: criteria provided, single submitter. Criteria: Invitae Variant Classification Sherloc (09022015). Collection method: clinical testing. Allele origin: germline.

NM_032043.3(BRIP1):c.435C>T (p.Ser145=)

Gene: BRIP1 (BRCA1 interacting DNA helicase 1; minus strand). Cytogenetic location: 17q23.2.
Variant type: single nucleotide variant.
Coding change: c.435C>T on transcript NM_032043.3 (MANE Select); coding-DNA position 435, C replaced by T.
Protein change: p.Ser145=; no amino-acid change (serine 145 retained).
Molecular consequence: synonymous variant.
Genome position (GRCh38, 1-based): chr17:61,849,201, G>A on the plus strand (C>T on the coding strand, the complement: BRIP1 is on the minus strand). VCF-style: chr17-61849201-G-A. GRCh37 (hg19) VCF-style: chr17-59926562-G-A.
Identifiers: ClinVar variation 2944881 (VCV002944881.4), dbSNP rs2145764513, ClinGen allele CA501150900.
Genomic context (GRCh38, chr17:61,849,201, plus strand): 5'-TTCTAAGGGTCGAATTCTTTTCTTCTCTACTTGAAAATCATCATTTTCATCTCTGTATAT[G>A]GATGCCTGTTTCTTAGCAGATAACTTTGCAGCCAGAGTGGTTTTTTCAGGGGAGTCTTAT-3'
Protein context (NP_114432.2, residues 135-155): AAKLSAKKQA[Ser145=]IYRDENDDFQ